The following is an entry in ClinVar:

NM_000252.3(MTM1):c.646G>A (p.Val216Ile)

Gene: MTM1 (myotubularin 1; plus strand). Cytogenetic location: Xq28.
Variant type: single nucleotide variant.
Coding change: c.646G>A on transcript NM_000252.3 (MANE Select); coding-DNA position 646, G replaced by A.
Protein change: p.Val216Ile; replaces valine 216 with isoleucine.
Molecular consequence: missense variant.
Genome position (GRCh38, 1-based): chrX:150,641,386, G>A. VCF-style: chrX-150641386-G-A. GRCh37 (hg19) VCF-style: chrX-149809859-G-A.
Other names: c.646G>A, p.Val216Ile (NM_001376906.1, NM_001376908.1); c.535G>A, p.Val179Ile (NM_001376907.1); short protein forms V179I, V216I.
Identifiers: ClinVar variation 1422262 (VCV001422262.5), dbSNP rs782156492, ClinGen allele CA10539139.

ClinVar aggregate classification (germline): Uncertain significance (1 of 4 stars; one submission).

Conditions:
Severe X-linked myotubular myopathy (CNMX). Also called: MYOTUBULAR MYOPATHY 1; X-linked centronuclear myopathy; Myotubular myopathy, X-linked. Identifiers: Orphanet 596, MedGen C0410203, MONDO:0010683, OMIM 310400.

Allele frequency attached by ClinVar (database versions not stated): gnomAD exomes below 0.00001 and 0.00001; ExAC 0.00002; gnomAD 0.00002; 1000 Genomes Project 30x 0.00021; 1000 Genomes Project 0.00026.
gnomAD v4.1: 7 of 1,209,823 alleles (0.00058%); highest among the groups gnomAD compares: Admixed American, 0.0066%; no homozygotes.

Submission:

Labcorp Genetics (formerly Invitae), Labcorp
Classification: Uncertain significance for Severe X-linked myotubular myopathy. Last evaluated: 2022-10-29. Review status: criteria provided, single submitter. Criteria: Invitae Variant Classification Sherloc (09022015). Collection method: clinical testing. Allele origin: germline.
Comment: This sequence change replaces valine, which is neutral and non-polar, with isoleucine, which is neutral and non-polar, at codon 216 of the MTM1 protein (p.Val216Ile). This variant is present in population databases (rs782156492, gnomAD 0.003%), including at least one homozygous and/or hemizygous individual. This variant has not been reported in the literature in individuals affected with MTM1-related conditions. ClinVar contains an entry for this variant (Variation ID: 1422262). Algorithms developed to predict the effect of missense changes on protein structure and function (SIFT, PolyPhen-2, Align-GVGD) all suggest that this variant is likely to be tolerated. In summary, the available evidence is currently insufficient to determine the role of this variant in disease. Therefore, it has been classified as a Variant of Uncertain Significance.